The following is an entry in ClinVar:

ClinVar aggregate classification (germline): Uncertain significance (1 of 4 stars; one submission).

Conditions:
Myopathy, centronuclear, 2 (CNM2). Also called: MYOTUBULAR MYOPATHY, AUTOSOMAL RECESSIVE. Identifiers: Orphanet 169186, MedGen CN031787, MONDO:0009709, OMIM 255200.

Submission:

Labcorp Genetics (formerly Invitae), Labcorp
Classification: Uncertain significance for Myopathy, centronuclear, 2. Last evaluated: 2023-11-25. Review status: criteria provided, single submitter. Criteria: Invitae Variant Classification Sherloc (09022015). Collection method: clinical testing. Allele origin: germline.
Comment: This sequence change replaces methionine, which is neutral and non-polar, with threonine, which is neutral and polar, at codon 4 of the BIN1 protein (p.Met4Thr). This variant is not present in population databases (gnomAD no frequency). This variant has not been reported in the literature in individuals affected with BIN1-related conditions. An algorithm developed to predict the effect of missense changes on protein structure and function (PolyPhen-2) suggests that this variant is likely to be tolerated. In summary, the available evidence is currently insufficient to determine the role of this variant in disease. Therefore, it has been classified as a Variant of Uncertain Significance.

NM_139343.3(BIN1):c.11T>C (p.Met4Thr)

Gene: BIN1 (bridging integrator 1; minus strand). Cytogenetic location: 2q14.3.
Variant type: single nucleotide variant.
Coding change: c.11T>C on transcript NM_139343.3 (MANE Select); coding-DNA position 11, T replaced by C.
Protein change: p.Met4Thr; replaces methionine 4 with threonine.
Molecular consequence: missense variant.
Genome position (GRCh38, 1-based): chr2:127,106,933, A>G on the plus strand (T>C on the coding strand, the complement: BIN1 is on the minus strand). VCF-style: chr2-127106933-A-G. GRCh37 (hg19) VCF-style: chr2-127864509-A-G.
Other names: c.11T>C, p.Met4Thr (NM_001320640.2, NM_001320641.2, NM_004305.4 and 10 more transcripts); short protein forms M4T.
Identifiers: ClinVar variation 2766522 (VCV002766522.3), dbSNP rs2467800316, ClinGen allele CA348376354.